The following is an entry in ClinVar:

NM_001368397.1(FRMPD4):c.2007T>C (p.Leu669=)

Gene: FRMPD4 (FERM and PDZ domain containing 4; plus strand). Cytogenetic location: Xp22.2.
Variant type: single nucleotide variant.
Coding change: c.2007T>C on transcript NM_001368397.1 (MANE Select); coding-DNA position 2007, T replaced by C.
Protein change: p.Leu669=; no amino-acid change (leucine 669 retained).
Molecular consequence: synonymous variant.
Genome position (GRCh38, 1-based): chrX:12,716,466, T>C. VCF-style: chrX-12716466-T-C. GRCh37 (hg19) VCF-style: chrX-12734585-T-C.
Other names: c.2118T>C, p.Leu706= (NM_001368395.3, NM_001368398.3); c.2013T>C, p.Leu671= (NM_001368396.3); c.1998T>C, p.Leu666= (NM_001368399.3); c.1887T>C, p.Leu629= (NM_001368400.3); c.1983T>C, p.Leu661= (NM_001368401.1, NM_001368402.3); c.2007T>C, p.Leu669= (NM_014728.3).
Identifiers: ClinVar variation 129115 (VCV000129115.8), dbSNP rs67823099, ClinGen allele CA152911.
Genomic context (GRCh38, chrX:12,716,466, plus strand): 5'-TAAAGTGTCCTTTATTTTTGGAGACTTCGCCTTGGATGATGGTATTAGTCCCCCAACCCT[T>C]GGCTATGAAACGCTACTAGATGAGGGTCCTGAAATGCTGGAGAAGCAGAGAAATCTCTAC-3'
Protein context (NP_001355326.1, residues 659-679): ALDDGISPPT[Leu669=]GYETLLDEGP

ClinVar aggregate classification (germline): Benign. Review status: criteria provided, multiple submitters, no conflicts (2 of 4 stars). 3 submissions from 3 submitters: Benign (2). 1 of the submissions does not count toward it. Last evaluated 2021-06-23.

Allele frequency attached by ClinVar (database versions not stated): ESP Exome Variant Server 0.10196; gnomAD 0.08669 and 0.08245; TOPMed 0.09415; 1000 Genomes Project 0.09801; 1000 Genomes Project 30x 0.10323; gnomAD exomes 0.01114 and 0.02946; ExAC 0.03631.
gnomAD v4.1: 21,853 of 1,207,502 alleles (1.8%); highest among the groups gnomAD compares: African/African-American, 28%; 1,811 homozygotes.

Submissions (3):

GeneDx
Classification: Benign. Last evaluated: 2021-06-23. Review status: criteria provided, single submitter. Criteria: GeneDx Variant Classification Process June 2021. Collection method: clinical testing. Allele origin: germline. Affected: yes.

Breakthrough Genomics
Classification: Benign. Review status: criteria provided, single submitter. Criteria: ACMG Guidelines, 2015. Collection method: not provided. Allele origin: germline. Inheritance: X-linked inheritance. Affected: yes.

Genetic Services Laboratory, University of Chicago
Classification: Likely benign for AllHighlyPenetrant. Review status: no assertion criteria provided. Collection method: clinical testing. Allele origin: germline. Inheritance: X-linked inheritance. Not counted in ClinVar's aggregate classification.
Comment: Likely benign based on allele frequency in 1000 Genomes Project or ESP global frequency and its presence in a patient with a rare or unrelated disease phenotype. NOT Sanger confirmed.